The following is an entry in ClinVar:

ClinVar aggregate classification (germline): Likely benign (1 of 4 stars; one submission).

Allele frequency attached by ClinVar (database versions not stated): 1000 Genomes Project 30x 0.00219; 1000 Genomes Project 0.00180; TOPMed 0.00408; gnomAD 0.00460 and 0.00479.
gnomAD v4.1: 5,198 of 868,558 alleles (0.6%); highest among the groups gnomAD compares: Non-Finnish European, 0.84%; 32 homozygotes.

Submissions (3):

GeneDx
Classification: Likely benign. Last evaluated: 2018-06-19. Review status: criteria provided, single submitter. Criteria: GeneDx Variant Classification (06012015). Collection method: clinical testing. Allele origin: germline. Affected: yes.
Comment: This variant is considered likely benign or benign based on one or more of the following criteria: it is a conservative change, it occurs at a poorly conserved position in the protein, it is predicted to be benign by multiple in silico algorithms, and/or has population frequency not consistent with disease.

Dr. Peter K. Rogan Lab, Western University
No classification provided (evidence only). Condition: Lung cancer. Review status: no classification provided. Collection method: in vitro. Allele origin: not applicable. Functional consequence: retained intron. Not counted in ClinVar's aggregate classification.

Dr. Peter K. Rogan Lab, Western University
No classification provided (evidence only). Condition: Malignant tumor of esophagus. Review status: no classification provided. Collection method: in vitro. Allele origin: not applicable. Functional consequence: retained intron. Not counted in ClinVar's aggregate classification.

NM_017617.5(NOTCH1):c.3510+148G>A

Gene: NOTCH1 (notch receptor 1; minus strand). Cytogenetic location: 9q34.3.
Variant type: single nucleotide variant.
Coding change: c.3510+148G>A on transcript NM_017617.5 (MANE Select); 148 bases into the intron after coding-DNA position 3510, G replaced by A.
Molecular consequence: intron variant.
Genome position (GRCh38, 1-based): chr9:136,507,807, C>T on the plus strand (G>A on the coding strand, the complement: NOTCH1 is on the minus strand). VCF-style: chr9-136507807-C-T. GRCh37 (hg19) VCF-style: chr9-139402259-C-T.
Other names: NC_000009.11:g.139402259C>T.
Identifiers: ClinVar variation 678726 (VCV000678726.2), dbSNP rs11574901, ClinGen allele CA201580078.